The following is an entry in ClinVar:

ClinVar aggregate classification (germline): Benign. Review status: criteria provided, multiple submitters, no conflicts (2 of 4 stars). 2 submissions from 2 submitters: Benign (2). Last evaluated 2018-06-19.

Allele frequency attached by ClinVar (database versions not stated): 1000 Genomes Project 0.08526; 1000 Genomes Project 30x 0.08745; TOPMed 0.11353; gnomAD 0.11915 and 0.12081; gnomAD exomes 0.13439.
gnomAD v4.1: 46,858 of 365,298 alleles (13%); highest among the groups gnomAD compares: Non-Finnish European, 16%; 3,366 homozygotes.

Submissions (2):

GeneDx
Classification: Benign. Last evaluated: 2018-06-19. Review status: criteria provided, single submitter. Criteria: GeneDx Variant Classification (06012015). Collection method: clinical testing. Allele origin: germline. Affected: yes.
Comment: This variant is considered likely benign or benign based on one or more of the following criteria: it is a conservative change, it occurs at a poorly conserved position in the protein, it is predicted to be benign by multiple in silico algorithms, and/or has population frequency not consistent with disease.

Breakthrough Genomics
Classification: Benign. Review status: criteria provided, single submitter. Criteria: ACMG Guidelines, 2015. Collection method: not provided. Allele origin: germline. Inheritance: Autosomal recessive inheritance. Affected: yes.

NM_000153.4(GALC):c.622-284C>T

Gene: GALC (galactosylceramidase; minus strand). Cytogenetic location: 14q31.3.
Variant type: single nucleotide variant.
Coding change: c.622-284C>T on transcript NM_000153.4 (MANE Select); 284 bases into the intron before coding-DNA position 622, C replaced by T.
Molecular consequence: intron variant.
Genome position (GRCh38, 1-based): chr14:87,976,772, G>A on the plus strand (C>T on the coding strand, the complement: GALC is on the minus strand). VCF-style: chr14-87976772-G-A. GRCh37 (hg19) VCF-style: chr14-88443116-G-A.
Other names: c.544-284C>T (NM_001201402.2); c.553-284C>T (NM_001201401.2).
Identifiers: ClinVar variation 672027 (VCV000672027.2), dbSNP rs112469201, ClinGen allele CA13997364.